The following is an entry in ClinVar:

NM_033109.5(PNPT1):c.1078G>A (p.Asp360Asn)

Gene: PNPT1 (polyribonucleotide nucleotidyltransferase 1; minus strand). Cytogenetic location: 2p16.1.
Variant type: single nucleotide variant.
Coding change: c.1078G>A on transcript NM_033109.5 (MANE Select); coding-DNA position 1078, G replaced by A.
Protein change: p.Asp360Asn; replaces aspartic acid 360 with asparagine.
Molecular consequence: missense variant.
Genome position (GRCh38, 1-based): chr2:55,667,089, C>T on the plus strand (G>A on the coding strand, the complement: PNPT1 is on the minus strand). VCF-style: chr2-55667089-C-T. GRCh37 (hg19) VCF-style: chr2-55894224-C-T.
Other names: short protein forms D360N.
Identifiers: ClinVar variation 2650950 (VCV002650950.24), dbSNP rs776674650, ClinGen allele CA1668225.
Genomic context (GRCh38, chr2:55,667,089, plus strand): 5'-GGGTTTTAAACATATCTACCTCACAACTTACATTCCTAAGTGAAGTCAAATCCCGACCAT[C>T]GCACCTATAGTGATATAGGAAATAAGTACATTAAGTAACGCTGGAAACAGAAAAATCACA-3'
Protein context (NP_149100.2, residues 350-370): SIVLNEYKRC[Asp360Asn]GRDLTSLRNV

ClinVar aggregate classification (germline): Uncertain significance (1 of 4 stars; one submission).

Allele frequency attached by ClinVar (database versions not stated): gnomAD exomes below 0.00001; ExAC 0.00001.

Submission:

CeGaT Center for Human Genetics Tuebingen
Classification: Uncertain significance. Last evaluated: 2022-10-01. Review status: criteria provided, single submitter. Criteria: CeGaT Center For Human Genetics Tuebingen Variant Classification Criteria Version 2. Collection method: clinical testing. Allele origin: germline. Affected: yes. Observed: 1 variant allele.
Comment: PNPT1: PM2